The following is an entry in ClinVar:

ClinVar aggregate classification (germline): Uncertain significance. Review status: criteria provided, single submitter (1 of 4 stars). 2 submissions from 2 submitters: Uncertain significance (1). 1 of the submissions does not count toward it. Last evaluated 2021-09-14.

Conditions:
Luscan-Lumish syndrome. Identifiers: Orphanet 597738, MedGen C4085873, MONDO:0014791, OMIM 616831.

Allele frequency attached by ClinVar (database versions not stated): gnomAD 0.00005 and 0.00004; gnomAD exomes 0.00005 and 0.00007; TOPMed 0.00005; ExAC 0.00006.
gnomAD v4.1: 84 of 1,610,584 alleles (0.0052%); highest among the groups gnomAD compares: South Asian, 0.037%; 1 homozygote.

Submissions (2):

Labcorp Genetics (formerly Invitae), Labcorp
Classification: Uncertain significance for Luscan-Lumish syndrome. Last evaluated: 2021-09-14. Review status: criteria provided, single submitter. Criteria: Invitae Variant Classification Sherloc (09022015). Collection method: clinical testing. Allele origin: germline.
Comment: This sequence change replaces arginine with tryptophan at codon 493 of the SETD2 protein (p.Arg493Trp). The arginine residue is highly conserved and there is a moderate physicochemical difference between arginine and tryptophan. This variant is present in population databases (rs778693117, ExAC 0.04%), including at least one homozygous and/or hemizygous individual. This variant has not been reported in the literature in individuals affected with SETD2-related conditions. Algorithms developed to predict the effect of missense changes on protein structure and function are either unavailable or do not agree on the potential impact of this missense change (SIFT: "Deleterious"; PolyPhen-2: "Probably Damaging"; Align-GVGD: "Class C0"). In summary, the available evidence is currently insufficient to determine the role of this variant in disease. Therefore, it has been classified as a Variant of Uncertain Significance.

Genetics and Genomic Medicine Centre, NeuroGen Healthcare, NeuroGen Healthcare
Classification: Uncertain significance. Last evaluated: 2021-01-14. Review status: no assertion criteria provided. Collection method: clinical testing. Allele origin: unknown. Affected: yes. Not counted in ClinVar's aggregate classification.

NM_014159.7(SETD2):c.1477C>T (p.Arg493Trp)

Gene: SETD2 (SET domain containing 2, histone lysine methyltransferase; minus strand). Cytogenetic location: 3p21.31.
Variant type: single nucleotide variant.
Coding change: c.1477C>T on transcript NM_014159.7 (MANE Select); coding-DNA position 1477, C replaced by T.
Protein change: p.Arg493Trp; replaces arginine 493 with tryptophan.
Molecular consequence: missense variant. On other transcripts: non-coding transcript variant (1).
Genome position (GRCh38, 1-based): chr3:47,123,159, G>A on the plus strand (C>T on the coding strand, the complement: SETD2 is on the minus strand). VCF-style: chr3-47123159-G-A. GRCh37 (hg19) VCF-style: chr3-47164649-G-A.
Other names: c.1345C>T, p.Arg449Trp (NM_001349370.3); short protein forms R493W, R449W.
Identifiers: ClinVar variation 542225 (VCV000542225.7), dbSNP rs778693117, ClinGen allele CA2363681.